The following is an entry in ClinVar:

ClinVar aggregate classification (germline): Uncertain significance (1 of 4 stars; one submission).

Submission:

Ambry Genetics
Classification: Uncertain significance. Last evaluated: 2026-07-03. Review status: criteria provided, single submitter. Criteria: Ambry Variant Classification Scheme 2023. Collection method: clinical testing. Allele origin: germline.
Comment: The p.S151P variant (also known as c.451T>C), located in coding exon 1 of the CDK12 gene, results from a T to C substitution at nucleotide position 451. The serine at codon 151 is replaced by proline, an amino acid with similar properties. This amino acid position is conserved. In addition, this alteration is predicted to be tolerated by in silico analysis. Based on the available evidence, the clinical significance of this variant remains unclear.

NM_016507.4(CDK12):c.451T>C (p.Ser151Pro)

Genes: CDK12 (cyclin dependent kinase 12; plus strand), LOC126862553 (CDK7 strongly-dependent group 2 enhancer GRCh37_chr17:37618166-37619365; plus strand). Cytogenetic location: 17q12.
Variant type: single nucleotide variant.
Coding change: c.451T>C on transcript NM_016507.4 (MANE Select); coding-DNA position 451, T replaced by C.
Protein change: p.Ser151Pro; replaces serine 151 with proline.
Molecular consequence: missense variant.
Genome position (GRCh38, 1-based): chr17:39,462,522, T>C. VCF-style: chr17-39462522-T-C. GRCh37 (hg19) VCF-style: chr17-37618775-T-C.
Other names: c.451T>C, p.Ser151Pro (NM_015083.4); short protein forms S151P.
Identifiers: ClinVar variation 5034075 (VCV005034075.1).